The following is an entry in ClinVar:

ClinVar aggregate classification (germline): Uncertain significance (1 of 4 stars; one submission).

Allele frequency attached by ClinVar (database versions not stated): gnomAD exomes below 0.00001.
gnomAD v4.1: 4 of 1,613,926 alleles (0.00025%); highest among the groups gnomAD compares: Non-Finnish European, 0.00034%; no homozygotes.

Submission:

Labcorp Genetics (formerly Invitae), Labcorp
Classification: Uncertain significance. Last evaluated: 2024-09-19. Review status: criteria provided, single submitter. Criteria: Invitae Variant Classification Sherloc (09022015). Collection method: clinical testing. Allele origin: germline.
Comment: This sequence change replaces arginine, which is basic and polar, with glycine, which is neutral and non-polar, at codon 252 of the TBX20 protein (p.Arg252Gly). This variant is not present in population databases (gnomAD no frequency). This variant has not been reported in the literature in individuals affected with TBX20-related conditions. ClinVar contains an entry for this variant (Variation ID: 1937642). Invitae Evidence Modeling of protein sequence and biophysical properties (such as structural, functional, and spatial information, amino acid conservation, physicochemical variation, residue mobility, and thermodynamic stability) indicates that this missense variant is not expected to disrupt TBX20 protein function with a negative predictive value of 80%. In summary, the available evidence is currently insufficient to determine the role of this variant in disease. Therefore, it has been classified as a Variant of Uncertain Significance.

NM_001077653.2(TBX20):c.754A>G (p.Arg252Gly)

Gene: TBX20 (T-box transcription factor 20; minus strand). Cytogenetic location: 7p14.2.
Variant type: single nucleotide variant.
Coding change: c.754A>G on transcript NM_001077653.2 (MANE Select); coding-DNA position 754, A replaced by G.
Protein change: p.Arg252Gly; replaces arginine 252 with glycine.
Molecular consequence: missense variant.
Genome position (GRCh38, 1-based): chr7:35,240,938, T>C on the plus strand (A>G on the coding strand, the complement: TBX20 is on the minus strand). VCF-style: chr7-35240938-T-C. GRCh37 (hg19) VCF-style: chr7-35280550-T-C.
Other names: c.754A>G, p.Arg252Gly (NM_001166220.1); short protein forms R252G.
Identifiers: ClinVar variation 1937642 (VCV001937642.5), dbSNP rs2546993200, ClinGen allele CA367264009.
Genomic context (GRCh38, chr7:35,240,938, plus strand): 5'-CCAGTTGATTCTGGTAGGCAGTGACTGCCGTAAAAACTGTTTCTGGAAAGATGAAAGTTC[T>C]AAATTCTTCAGACTTCAGGTTGAGCAATGAGGCTGTGTGGTCTTTCTTCTTAATGATGTG-3'
Protein context (NP_001071121.1, residues 242-262): SLLNLKSEEF[Arg252Gly]TFIFPETVFT